The following is an entry in ClinVar:

ClinVar aggregate classification (germline): Likely benign (1 of 4 stars; one submission).

Allele frequency attached by ClinVar (database versions not stated): 1000 Genomes Project 0.00120; 1000 Genomes Project 30x 0.00125; gnomAD 0.00324; ESP Exome Variant Server 0.00408; TOPMed 0.00419.
gnomAD v4.1: 6,352 of 1,614,000 alleles (0.39%); highest among the groups gnomAD compares: Middle Eastern, 0.59%; 22 homozygotes.

Submission:

CeGaT Center for Human Genetics Tuebingen
Classification: Likely benign. Last evaluated: 2022-08-01. Review status: criteria provided, single submitter. Criteria: CeGaT Center For Human Genetics Tuebingen Variant Classification Criteria Version 2. Collection method: clinical testing. Allele origin: germline. Affected: yes. Observed: 1 variant allele.
Comment: ZNF536: BP4, BP7

NM_014717.3(ZNF536):c.1962G>A (p.Lys654=)

Gene: ZNF536 (zinc finger protein 536; plus strand). Cytogenetic location: 19q12.
Variant type: single nucleotide variant.
Coding change: c.1962G>A on transcript NM_014717.3 (MANE Select); coding-DNA position 1962, G replaced by A.
Protein change: p.Lys654=; no amino-acid change (lysine 654 retained).
Molecular consequence: synonymous variant.
Genome position (GRCh38, 1-based): chr19:30,445,524, G>A. VCF-style: chr19-30445524-G-A. GRCh37 (hg19) VCF-style: chr19-30936431-G-A.
Other names: c.1962G>A, p.Lys654= (NM_001376110.1, NM_001376111.1, NM_001352260.2).
Identifiers: ClinVar variation 2649672 (VCV002649672.24), dbSNP rs149326839, ClinGen allele CA9353435.